The following is an entry in ClinVar:

NM_006073.4(TRDN):c.23-1G>A

Gene: TRDN (triadin; minus strand). Cytogenetic location: 6q22.31.
Variant type: single nucleotide variant.
Coding change: c.23-1G>A on transcript NM_006073.4 (MANE Select); the canonical splice acceptor site of the intron before coding-DNA position 23, G replaced by A.
Molecular consequence: splice acceptor variant.
Genome position (GRCh38, 1-based): chr6:123,571,133, C>T on the plus strand (G>A on the coding strand, the complement: TRDN is on the minus strand). VCF-style: chr6-123571133-C-T. GRCh37 (hg19) VCF-style: chr6-123892278-C-T.
Other names: c.23-1G>A (NM_001407315.1, NM_001251987.2, NM_001256020.2 and 2 more transcripts).
Identifiers: ClinVar variation 4865902 (VCV004865902.1).

ClinVar aggregate classification (germline): Uncertain significance (1 of 4 stars; one submission).

Conditions:
Cardiovascular phenotype. Identifiers: MedGen CN230736.

Submission:

Ambry Genetics
Classification: Uncertain significance for Cardiovascular phenotype. Last evaluated: 2026-03-27. Review status: criteria provided, single submitter. Criteria: Ambry Variant Classification Scheme 2023. Collection method: clinical testing. Allele origin: germline.
Comment: The c.23-1G>A intronic variant results from a G to A substitution one nucleotide upstream from coding exon 2 of the TRDN gene. Variants that disrupt the canonical splice site are expected to result in aberrant splicing. In silico splice site analysis predicts that this alteration will weaken the native splice acceptor site and will result in the creation or strengthening of a novel splice acceptor site. A resulting transcript is predicted to be in-frame and is not expected to trigger nonsense-mediated mRNA decay; although, direct evidence is unavailable. This nucleotide position is highly conserved in available vertebrate species. Based on the available evidence, the clinical significance of this variant remains unclear.